The following is an entry in ClinVar:

NM_014425.5(INVS):c.1604A>G (p.Glu535Gly)

Gene: INVS (inversin; plus strand). Cytogenetic location: 9q31.1.
Variant type: single nucleotide variant.
Coding change: c.1604A>G on transcript NM_014425.5 (MANE Select); coding-DNA position 1604, A replaced by G.
Protein change: p.Glu535Gly; replaces glutamic acid 535 with glycine.
Molecular consequence: missense variant. On other transcripts: non-coding transcript variant (1).
Genome position (GRCh38, 1-based): chr9:100,272,896, A>G. VCF-style: chr9-100272896-A-G. GRCh37 (hg19) VCF-style: chr9-103035178-A-G.
Other names: c.1316A>G, p.Glu439Gly (NM_001318381.2); c.626A>G, p.Glu209Gly (NM_001318382.2); short protein forms E209G, E439G, E535G.
Identifiers: ClinVar variation 938221 (VCV000938221.9), dbSNP rs1832999071, ClinGen allele CA374238228.

ClinVar aggregate classification (germline): Uncertain significance (1 of 4 stars; one submission).

Conditions:
Nephronophthisis. Also called: Juvenile Nephronophthisis. Identifiers: Orphanet 655, MedGen C0687120, MONDO:0019005, HP:0000090.

Submission:

Labcorp Genetics (formerly Invitae), Labcorp
Classification: Uncertain significance for Nephronophthisis. Last evaluated: 2019-08-26. Review status: criteria provided, single submitter. Criteria: Invitae Variant Classification Sherloc (09022015). Collection method: clinical testing. Allele origin: germline.
Comment: This sequence change replaces glutamic acid with glycine at codon 535 of the INVS protein (p.Glu535Gly). The glutamic acid residue is highly conserved and there is a moderate physicochemical difference between glutamic acid and glycine. This variant is not present in population databases (ExAC no frequency). In summary, the available evidence is currently insufficient to determine the role of this variant in disease. Therefore, it has been classified as a Variant of Uncertain Significance. Algorithms developed to predict the effect of missense changes on protein structure and function (SIFT, PolyPhen-2, Align-GVGD) all suggest that this variant is likely to be tolerated, but these predictions have not been confirmed by published functional studies and their clinical significance is uncertain. This variant has not been reported in the literature in individuals with INVS-related conditions.